The following is an entry in ClinVar:

NM_053025.4(MYLK):c.5417A>C (p.His1806Pro)

Genes: MYLK (myosin light chain kinase; minus strand), MYLK-AS1 (MYLK antisense RNA 1; plus strand). Cytogenetic location: 3q21.1.
Variant type: single nucleotide variant.
Coding change: c.5417A>C on transcript NM_053025.4 (MANE Select); coding-DNA position 5417, A replaced by C.
Protein change: p.His1806Pro; replaces histidine 1806 with proline.
Molecular consequence: missense variant.
Genome position (GRCh38, 1-based): chr3:123,618,722, T>G on the plus strand (A>C on the coding strand, the complement: MYLK is on the minus strand). VCF-style: chr3-123618722-T-G. GRCh37 (hg19) VCF-style: chr3-123337569-T-G.
Other names: c.4889A>C, p.His1630Pro (NM_001321309.2); c.5210A>C, p.His1737Pro (NM_053026.4); c.5264A>C, p.His1755Pro (NM_053027.4); c.5057A>C, p.His1686Pro (NM_053028.4); c.134A>C, p.His45Pro (NM_053031.4); c.137A>C, p.His46Pro (NM_053032.4); c.5417A>C (NM_053025.3); short protein forms H1630P, H1737P, H46P, H45P, H1686P, H1755P, H1806P.
Identifiers: ClinVar variation 2892482 (VCV002892482.4), dbSNP rs1327158495, ClinGen allele CA354231073.

ClinVar aggregate classification (germline): Uncertain significance. Review status: criteria provided, multiple submitters, no conflicts (2 of 4 stars). 2 submissions from 2 submitters: Uncertain significance (2). Last evaluated 2024-02-09.

Conditions:
Familial thoracic aortic aneurysm and aortic dissection (TAAD). Also called: Thoracic aortic aneurysms and dissections. Identifiers: Orphanet 91387, MedGen C4707243, MONDO:0019625.
Aortic aneurysm, familial thoracic 7 (AAT7). Also called: AORTIC DISSECTION, FAMILIAL, WITH OR WITHOUT AORTIC ANEURYSM. Identifiers: MedGen C3151077, MONDO:0013418, OMIM 613780.

Allele frequency attached by ClinVar (database versions not stated): TOPMed below 0.00001; gnomAD 0.00001; gnomAD exomes 0.00001.
gnomAD v4.1: 4 of 1,614,094 alleles (0.00025%); highest among the groups gnomAD compares: East Asian, 0.0089%; no homozygotes.

Submissions (2):

Ambry Genetics
Classification: Uncertain significance for Familial thoracic aortic aneurysm and aortic dissection. Last evaluated: 2024-02-09. Review status: criteria provided, single submitter. Criteria: Ambry Variant Classification Scheme 2023. Collection method: clinical testing. Allele origin: germline.
Comment: The p.H1806P variant (also known as c.5417A>C), located in coding exon 30 of the MYLK gene, results from an A to C substitution at nucleotide position 5417. The histidine at codon 1806 is replaced by proline, an amino acid with similar properties. This amino acid position is conserved. In addition, the in silico prediction for this alteration is inconclusive. Based on the available evidence, the clinical significance of this alteration remains unclear.

Labcorp Genetics (formerly Invitae), Labcorp
Classification: Uncertain significance for Aortic aneurysm, familial thoracic 7. Last evaluated: 2023-04-07. Review status: criteria provided, single submitter. Criteria: Invitae Variant Classification Sherloc (09022015). Collection method: clinical testing. Allele origin: germline.
Comment: In summary, the available evidence is currently insufficient to determine the role of this variant in disease. Therefore, it has been classified as a Variant of Uncertain Significance. Advanced modeling of protein sequence and biophysical properties (such as structural, functional, and spatial information, amino acid conservation, physicochemical variation, residue mobility, and thermodynamic stability) performed at Invitae indicates that this missense variant is not expected to disrupt MYLK protein function. This variant has not been reported in the literature in individuals affected with MYLK-related conditions. This variant is not present in population databases (gnomAD no frequency). This sequence change replaces histidine, which is basic and polar, with proline, which is neutral and non-polar, at codon 1806 of the MYLK protein (p.His1806Pro).